The following is an entry in ClinVar:

ClinVar aggregate classification (germline): Uncertain significance. Review status: criteria provided, multiple submitters, no conflicts (2 of 4 stars). 3 submissions from 3 submitters: Uncertain significance (3). Last evaluated 2023-10-10.

Conditions:
Inborn genetic diseases. Identifiers: MedGen C0950123, MeSH D030342.

gnomAD v4.1: 4 of 1,614,012 alleles (0.00025%); highest among the groups gnomAD compares: Non-Finnish European, 0.00025%; no homozygotes.

Submissions (3):

Ambry Genetics
Classification: Uncertain significance for Inborn genetic diseases. Last evaluated: 2023-10-10. Review status: criteria provided, single submitter. Criteria: Ambry Variant Classification Scheme 2023. Collection method: clinical testing. Allele origin: germline.

Labcorp Genetics (formerly Invitae), Labcorp
Classification: Uncertain significance. Last evaluated: 2023-09-25. Review status: criteria provided, single submitter. Criteria: Invitae Variant Classification Sherloc (09022015). Collection method: clinical testing. Allele origin: germline.
Comment: This sequence change replaces leucine, which is neutral and non-polar, with methionine, which is neutral and non-polar, at codon 619 of the PCDH15 protein (p.Leu619Met). This variant is not present in population databases (gnomAD no frequency). This variant has not been reported in the literature in individuals affected with PCDH15-related conditions. ClinVar contains an entry for this variant (Variation ID: 1480808). Advanced modeling of protein sequence and biophysical properties (such as structural, functional, and spatial information, amino acid conservation, physicochemical variation, residue mobility, and thermodynamic stability) performed at Invitae indicates that this missense variant is not expected to disrupt PCDH15 protein function. In summary, the available evidence is currently insufficient to determine the role of this variant in disease. Therefore, it has been classified as a Variant of Uncertain Significance.

Blueprint Genetics
Classification: Uncertain significance. Last evaluated: 2022-04-27. Review status: criteria provided, single submitter. Criteria: ACMG Guidelines, 2015. Collection method: clinical testing. Allele origin: germline.

NM_001384140.1(PCDH15):c.1855C>A (p.Leu619Met)

Gene: PCDH15 (protocadherin related 15; minus strand). Cytogenetic location: 10q21.1.
Variant type: single nucleotide variant.
Coding change: c.1855C>A on transcript NM_001384140.1 (MANE Select); coding-DNA position 1855, C replaced by A.
Protein change: p.Leu619Met; replaces leucine 619 with methionine.
Molecular consequence: missense variant. On other transcripts: intron variant (1).
Genome position (GRCh38, 1-based): chr10:54,132,937, G>T on the plus strand (C>A on the coding strand, the complement: PCDH15 is on the minus strand). VCF-style: chr10-54132937-G-T. GRCh37 (hg19) VCF-style: chr10-55892697-G-T.
Other names: c.1870C>A, p.Leu624Met (NM_001142763.2, NM_001142771.2); c.1855C>A, p.Leu619Met (NM_001142764.2, NM_001142766.2, NM_001142770.3 and 5 more transcripts); c.1744C>A, p.Leu582Met (NM_001142767.2); c.1789C>A, p.Leu597Met (NM_001142768.2, NM_001142773.2, NM_001354404.2); c.1891C>A, p.Leu631Met (NM_001142769.4); c.1876C>A, p.Leu626Met (NM_001354411.2); c.1784+20163C>A (NM_001142765.2); short protein forms L624M, L631M, L619M, L582M, L597M, L626M.
Identifiers: ClinVar variation 1480808 (VCV001480808.8), dbSNP rs779781651, ClinGen allele CA376515033.